The following is an entry in ClinVar:

NM_000104.4(CYP1B1):c.98T>A (p.Val33Glu)

Gene: CYP1B1 (cytochrome P450 family 1 subfamily B member 1; minus strand). Cytogenetic location: 2p22.2.
Variant type: single nucleotide variant.
Coding change: c.98T>A on transcript NM_000104.4 (MANE Select); coding-DNA position 98, T replaced by A.
Protein change: p.Val33Glu; replaces valine 33 with glutamic acid.
Molecular consequence: missense variant.
Genome position (GRCh38, 1-based): chr2:38,075,291, A>T on the plus strand (T>A on the coding strand, the complement: CYP1B1 is on the minus strand). VCF-style: chr2-38075291-A-T. GRCh37 (hg19) VCF-style: chr2-38302434-A-T.
Other names: short protein forms V33E.
Identifiers: ClinVar variation 4998611 (VCV004998611.1).

ClinVar aggregate classification (germline): Uncertain significance (1 of 4 stars; one submission).

Conditions:
CYP1B1-related disorder. Also called: CYP1B1-Related Disorders. Identifiers: MedGen CN239260.

Submission:

PreventionGenetics, part of Exact Sciences
Classification: Uncertain significance for CYP1B1-related condition. Last evaluated: 2025-02-12. Review status: criteria provided, single submitter. Criteria: ACMG Guidelines, 2015. Collection method: clinical testing. Allele origin: germline.
Comment: The CYP1B1 c.98T>A variant is predicted to result in the amino acid substitution p.Val33Glu. To our knowledge, this variant has not been reported in the literature or in a large population database (gnomAD), indicating this variant is rare. At this time, the clinical significance of this variant is uncertain due to the absence of conclusive functional and genetic evidence.